The following is an entry in ClinVar:

ClinVar aggregate classification (germline): Pathogenic. Review status: criteria provided, multiple submitters, no conflicts (2 of 4 stars). 2 submissions from 2 submitters: Pathogenic (2). Last evaluated 2025-10-13.

Conditions:
Rothmund-Thomson syndrome type 2 (RTS2). Identifiers: Orphanet 221016, MedGen C5203410, MONDO:0016369, OMIM 268400.
Baller-Gerold syndrome (BGS). Also called: CRANIOSYNOSTOSIS WITH RADIAL DEFECTS. Identifiers: Orphanet 1225, MedGen C0265308, MONDO:0009039, OMIM 218600.

Allele frequency attached by ClinVar (database versions not stated): gnomAD exomes below 0.00001 and 0.00004; TOPMed below 0.00001; ExAC 0.00001.
gnomAD v4.1: 49 of 1,611,926 alleles (0.003%); highest among the groups gnomAD compares: Non-Finnish European, 0.0042%; no homozygotes.

Submissions (2):

Labcorp Genetics (formerly Invitae), Labcorp
Classification: Pathogenic for Baller-Gerold syndrome. Last evaluated: 2025-10-13. Review status: criteria provided, single submitter. Criteria: Invitae Variant Classification Sherloc (09022015). Collection method: clinical testing. Allele origin: germline.
Comment: This sequence change creates a premature translational stop signal (p.Gln567*) in the RECQL4 gene. It is expected to result in an absent or disrupted protein product. Loss-of-function variants in RECQL4 are known to be pathogenic (PMID: 12734318, 12952869). This variant is present in population databases (rs770709355, gnomAD 0.0009%). This variant has not been reported in the literature in individuals affected with RECQL4-related conditions. ClinVar contains an entry for this variant (Variation ID: 568068). For these reasons, this variant has been classified as Pathogenic.

Victorian Clinical Genetics Services, Murdoch Childrens Research Institute
Classification: Pathogenic for Rothmund-Thomson syndrome type 2. Last evaluated: 2022-02-02. Review status: criteria provided, single submitter. Criteria: ACMG Guidelines, 2015. Collection method: clinical testing. Allele origin: germline. Inheritance: Autosomal recessive inheritance.
Comment: Based on the classification scheme VCGS_Germline_v1.3.4, this variant is classified as Pathogenic. Following criteria are met: 0102 - Loss of function is a known mechanism of disease in this gene and is associated with Baller-Gerold syndrome (MIM#218600), RAPADILINO syndrome (MIM#266280) and Rothmund-Thomson syndrome (MIM#268400). There is currently no phenotype-genotype correlation. (I) 0106 - This gene is associated with autosomal recessive disease. (I) 0201 - Variant is predicted to cause nonsense-mediated decay (NMD) and loss of protein (premature termination codon is located at least 54 nucleotides upstream of the final exon-exon junction). (SP) 0251 - This variant is heterozygous. (I) 0304 - Variant is present in gnomAD <0.01 for a recessive condition (v2: 1 heterozygote, 0 homozygotes). (SP) 0701 - Other NMD-predicted variants comparable to the one identified in this case have very strong previous evidence for pathogenicity (ClinVar). (SP) 0803 - This variant has limited previous evidence of pathogenicity in an unrelated individual. It has been classified as pathogenic by a diagnostic laboratory in ClinVar. (SP) 0905 - No published segregation evidence has been identified for this variant. (I) 1007 - No published functional evidence has been identified for this variant. (I) 1208 - Inheritance information for this variant is not currently available in this individual. (I) Legend: (SP) - Supporting pathogenic, (I) - Information, (SB) - Supporting benign

Literature cited by the submitters: PubMed 12734318 (cited by Labcorp Genetics (formerly Invitae), Labcorp); PubMed 12952869 (cited by Labcorp Genetics (formerly Invitae), Labcorp).

NM_004260.4(RECQL4):c.1699C>T (p.Gln567Ter)

Gene: RECQL4 (RecQ like helicase 4; minus strand). Cytogenetic location: 8q24.3.
Variant type: single nucleotide variant.
Coding change: c.1699C>T on transcript NM_004260.4 (MANE Select); coding-DNA position 1699, C replaced by T.
Protein change: p.Gln567Ter; replaces glutamine 567 with a stop codon.
Molecular consequence: nonsense.
Genome position (GRCh38, 1-based): chr8:144,514,447, G>A on the plus strand (C>T on the coding strand, the complement: RECQL4 is on the minus strand). VCF-style: chr8-144514447-G-A. GRCh37 (hg19) VCF-style: chr8-145739831-G-A.
Other names: short protein forms Q567*.
Identifiers: ClinVar variation 568068 (VCV000568068.8), dbSNP rs770709355, ClinGen allele CA4948713.